The following is an entry in ClinVar:

ClinVar aggregate classification (germline): Likely benign. Review status: criteria provided, multiple submitters, no conflicts (2 of 4 stars). 2 submissions from 2 submitters: Likely benign (2). Last evaluated 2024-11-22.

Conditions:
ASXL2-related disorder. Also called: ASXL2-related condition.

Allele frequency attached by ClinVar (database versions not stated): ExAC 0.00001; gnomAD 0.00001; gnomAD exomes 0.00001 and 0.00002; TOPMed 0.00002.
gnomAD v4.1: 19 of 1,613,786 alleles (0.0012%); highest among the groups gnomAD compares: Admixed American, 0.0033%; 1 homozygote.

Submissions (2):

PreventionGenetics, part of Exact Sciences
Classification: Likely benign for ASXL2-related condition. Last evaluated: 2024-11-22. Review status: criteria provided, single submitter. Criteria: ACMG Guidelines, 2015. Collection method: clinical testing. Allele origin: germline.
Comment: This variant is classified as likely benign based on ACMG/AMP sequence variant interpretation guidelines (Richards et al. 2015 PMID: 25741868, with internal and published modifications).

Labcorp Genetics (formerly Invitae), Labcorp
Classification: Likely benign. Last evaluated: 2018-03-05. Review status: criteria provided, single submitter. Criteria: Invitae Variant Classification Sherloc (09022015). Collection method: clinical testing. Allele origin: germline.

NM_018263.6(ASXL2):c.1631C>T (p.Ala544Val)

Gene: ASXL2 (ASXL transcriptional regulator 2; minus strand). Cytogenetic location: 2p23.3.
Variant type: single nucleotide variant.
Coding change: c.1631C>T on transcript NM_018263.6 (MANE Select); coding-DNA position 1631, C replaced by T.
Protein change: p.Ala544Val; replaces alanine 544 with valine.
Molecular consequence: missense variant.
Genome position (GRCh38, 1-based): chr2:25,749,925, G>A on the plus strand (C>T on the coding strand, the complement: ASXL2 is on the minus strand). VCF-style: chr2-25749925-G-A. GRCh37 (hg19) VCF-style: chr2-25972794-G-A.
Other names: c.1457C>T, p.Ala486Val (NM_001369346.1); c.851C>T, p.Ala284Val (NM_001369347.1); short protein forms A544V, A284V, A486V.
Identifiers: ClinVar variation 743560 (VCV000743560.4), dbSNP rs761581753, ClinGen allele CA1557786.